The following is an entry in ClinVar:

ClinVar aggregate classification (germline): Pathogenic (1 of 4 stars; one submission).

Submission:

Labcorp Genetics (formerly Invitae), Labcorp
Classification: Pathogenic. Last evaluated: 2025-09-13. Review status: criteria provided, single submitter. Criteria: Invitae Variant Classification Sherloc (09022015). Collection method: clinical testing. Allele origin: germline.
Comment: This sequence change creates a premature translational stop signal (p.Gln1856Argfs*44) in the SPTB gene. It is expected to result in an absent or disrupted protein product. Loss-of-function variants in SPTB are known to be pathogenic (PMID: 1391962, 1498324, 8844207, 26830532, 27292444). This variant is not present in population databases (gnomAD no frequency). This variant has not been reported in the literature in individuals affected with SPTB-related conditions. For these reasons, this variant has been classified as Pathogenic.

Literature cited by the submitters: PubMed 1391962; PubMed 1498324; PubMed 8844207; PubMed 26830532; PubMed 27292444.

NM_001355436.2(SPTB):c.5566del (p.Gln1856fs)

Gene: SPTB (spectrin beta, erythrocytic; minus strand). Cytogenetic location: 14q23.3.
Variant type: Deletion.
Coding change: c.5566del on transcript NM_001355436.2 (MANE Select); coding-DNA position 5566, one base deleted (C; older notation c.5566delC).
Protein change: p.Gln1856fs; shifts the reading frame from glutamine 1856.
Molecular consequence: frameshift variant.
Genome position (GRCh38, 1-based): chr14:64,771,117, G deleted on the plus strand (C on the coding strand, the reverse complement: SPTB is on the minus strand); the first of 2 consecutive G bases (chr14:64,771,117-64,771,118); deleting either gives the same sequence. VCF-style (leftmost placement, unchanged base first): chr14-64771116-TG-T. GRCh37 (hg19) VCF-style: chr14-65237834-TG-T.
Other names: c.5566del, p.Gln1856fs (NM_001024858.4, NM_001355437.2); short protein forms Q1856fs.
Identifiers: ClinVar variation 4727078 (VCV004727078.1).